The following is an entry in ClinVar:

ClinVar aggregate classification (germline): Uncertain significance (1 of 4 stars; one submission).

Conditions:
Aortic aneurysm, familial thoracic 4 (AAT4). Also called: AORTIC ANEURYSM/AORTIC DISSECTION AND PATENT DUCTUS ARTERIOSUS. Identifiers: MedGen C1851504, MONDO:0007568, OMIM 132900.

Allele frequency attached by ClinVar (database versions not stated): ExAC 0.00001; gnomAD 0.00001; TOPMed 0.00001.
gnomAD v4.1: 1 of 1,612,500 alleles (0.000062%); highest among the groups gnomAD compares: African/African-American, 0.0013%; no homozygotes.

Submission:

Labcorp Genetics (formerly Invitae), Labcorp
Classification: Uncertain significance for Aortic aneurysm, familial thoracic 4. Last evaluated: 2022-07-27. Review status: criteria provided, single submitter. Criteria: Invitae Variant Classification Sherloc (09022015). Collection method: clinical testing. Allele origin: germline.
Comment: In summary, the available evidence is currently insufficient to determine the role of this variant in disease. Therefore, it has been classified as a Variant of Uncertain Significance. Algorithms developed to predict the effect of missense changes on protein structure and function are either unavailable or do not agree on the potential impact of this missense change (SIFT: "Tolerated"; PolyPhen-2: "Possibly Damaging"; Align-GVGD: "Class C0"). This variant has not been reported in the literature in individuals affected with MYH11-related conditions. This variant is not present in population databases (gnomAD no frequency). This sequence change replaces alanine, which is neutral and non-polar, with valine, which is neutral and non-polar, at codon 1102 of the MYH11 protein (p.Ala1102Val).

NM_002474.3(MYH11):c.3284C>T (p.Ala1095Val)

Gene: MYH11 (myosin heavy chain 11; minus strand). Cytogenetic location: 16p13.11.
Variant type: single nucleotide variant.
Coding change: c.3284C>T on transcript NM_002474.3 (MANE Select); coding-DNA position 3284, C replaced by T.
Protein change: p.Ala1095Val; replaces alanine 1095 with valine.
Molecular consequence: missense variant.
Genome position (GRCh38, 1-based): chr16:15,737,458, G>A on the plus strand (C>T on the coding strand, the complement: MYH11 is on the minus strand). VCF-style: chr16-15737458-G-A. GRCh37 (hg19) VCF-style: chr16-15831315-G-A.
Other names: c.3305C>T, p.Ala1102Val (NM_001040113.2, NM_001040114.2); c.3284C>T, p.Ala1095Val (NM_022844.3); short protein forms A1095V, A1102V.
Identifiers: ClinVar variation 2140845 (VCV002140845.4), dbSNP rs777744231, ClinGen allele CA7922046.